The following is an entry in ClinVar:

ClinVar aggregate classification (germline): Uncertain significance (1 of 4 stars; one submission).

Allele frequency attached by ClinVar (database versions not stated): gnomAD exomes below 0.00001.
gnomAD v4.1: 1 of 1,614,024 alleles (0.000062%); highest among the groups gnomAD compares: African/African-American, 0.0013%; no homozygotes.

Submission:

Labcorp Genetics (formerly Invitae), Labcorp
Classification: Uncertain significance. Last evaluated: 2021-01-22. Review status: criteria provided, single submitter. Criteria: Invitae Variant Classification Sherloc (09022015). Collection method: clinical testing. Allele origin: germline.
Comment: This sequence change replaces valine with leucine at codon 334 of the TFRC protein (p.Val334Leu). The valine residue is moderately conserved and there is a small physicochemical difference between valine and leucine. This variant is not present in population databases (ExAC no frequency). This variant has not been reported in the literature in individuals with TFRC-related conditions. Algorithms developed to predict the effect of missense changes on protein structure and function are either unavailable or do not agree on the potential impact of this missense change (SIFT: "Tolerated"; PolyPhen-2: "Probably Damaging"; Align-GVGD: "Class C0"). In summary, the available evidence is currently insufficient to determine the role of this variant in disease. Therefore, it has been classified as a Variant of Uncertain Significance.

NM_001128148.3(TFRC):c.1000G>C (p.Val334Leu)

Gene: TFRC (transferrin receptor; minus strand). Cytogenetic location: 3q29.
Variant type: single nucleotide variant.
Coding change: c.1000G>C on transcript NM_001128148.3 (MANE Select); coding-DNA position 1000, G replaced by C.
Protein change: p.Val334Leu; replaces valine 334 with leucine.
Molecular consequence: missense variant.
Genome position (GRCh38, 1-based): chr3:196,067,558, C>G on the plus strand (G>C on the coding strand, the complement: TFRC is on the minus strand). VCF-style: chr3-196067558-C-G. GRCh37 (hg19) VCF-style: chr3-195794429-C-G.
Other names: c.757G>C, p.Val253Leu (NM_001313965.2); c.154G>C, p.Val52Leu (NM_001313966.2); c.1000G>C, p.Val334Leu (NM_003234.4); short protein forms V253L, V334L, V52L.
Identifiers: ClinVar variation 1063611 (VCV001063611.5), dbSNP rs1717835698, ClinGen allele CA355573034.